The following is an entry in ClinVar:

ClinVar aggregate classification (germline): Uncertain significance (1 of 4 stars; one submission).

Conditions:
Renal hypodysplasia/aplasia 3 (RHDA3). Identifiers: MedGen C4540497, MONDO:0024520, OMIM 617805.

Allele frequency attached by ClinVar (database versions not stated): gnomAD exomes below 0.00001.
gnomAD v4.1: 1 of 1,551,638 alleles (0.000064%); highest among the groups gnomAD compares: Non-Finnish European, 0.000087%; no homozygotes.

Submission:

MVZ Medizinische Genetik Mainz
Classification: Uncertain significance for Renal hypodysplasia/aplasia 3. Last evaluated: 2023-08-16. Review status: criteria provided, single submitter. Criteria: UK Practice Guidelines For Variant Classification V4 01 2020. Collection method: clinical testing. Allele origin: germline. Inheritance: Autosomal dominant inheritance. Affected: yes. Observed: 1 variant allele.
Comment: ACMG Criteria: PM2_SUP,PP2

NM_001142966.3(GREB1L):c.2125A>G (p.Ile709Val)

Gene: GREB1L (GREB1 like retinoic acid receptor coactivator; plus strand). Cytogenetic location: 18q11.1.
Variant type: single nucleotide variant.
Coding change: c.2125A>G on transcript NM_001142966.3 (MANE Select); coding-DNA position 2125, A replaced by G.
Protein change: p.Ile709Val; replaces isoleucine 709 with valine.
Molecular consequence: missense variant.
Genome position (GRCh38, 1-based): chr18:21,454,506, A>G. VCF-style: chr18-21454506-A-G. GRCh37 (hg19) VCF-style: chr18-19034467-A-G.
Other names: c.2254A>G, p.Ile752Val (NM_001410867.1); c.1798A>G, p.Ile600Val (NM_001410868.1); short protein forms I600V, I709V, I752V.
Identifiers: ClinVar variation 3236252 (VCV003236252.1), dbSNP rs2511479209, ClinGen allele CA401736617.
Genomic context (GRCh38, chr18:21,454,506, plus strand): 5'-GCGGACAGTGGCAGCCAGAGCCTGGACCTCGGTCACTTCAGCAAAGTAGACTTCATCATC[A>G]TTGTTCCCAGATCGGAGGTGTTGGTTCAGCAAACTCTTCAGCGGATTCGACAATCAGGTA-3'
Protein context (NP_001136438.1, residues 699-719): GHFSKVDFII[Ile709Val]VPRSEVLVQQ